The following is an entry in ClinVar:

ClinVar aggregate classification (germline): Likely benign (1 of 4 stars; one submission).

gnomAD v4.1: 39 of 1,549,694 alleles (0.0025%); highest among the groups gnomAD compares: South Asian, 0.045%; no homozygotes.

Submission:

CeGaT Center for Human Genetics Tuebingen
Classification: Likely benign. Last evaluated: 2024-11-01. Review status: criteria provided, single submitter. Criteria: CeGaT Center For Human Genetics Tuebingen Variant Classification Criteria Version 2. Collection method: clinical testing. Allele origin: germline. Affected: yes. Observed: 1 variant allele.
Comment: PIEZO1: BP4, BP7

NM_001142864.4(PIEZO1):c.5430G>A (p.Glu1810=)

Gene: PIEZO1 (piezo type mechanosensitive ion channel component 1 (Er blood group); minus strand). Cytogenetic location: 16q24.3.
Variant type: single nucleotide variant.
Coding change: c.5430G>A on transcript NM_001142864.4 (MANE Select); coding-DNA position 5430, G replaced by A.
Protein change: p.Glu1810=; no amino-acid change (glutamic acid 1810 retained).
Molecular consequence: synonymous variant.
Genome position (GRCh38, 1-based): chr16:88,721,404, C>T on the plus strand (G>A on the coding strand, the complement: PIEZO1 is on the minus strand). VCF-style: chr16-88721404-C-T. GRCh37 (hg19) VCF-style: chr16-88787812-C-T.
Identifiers: ClinVar variation 3388682 (VCV003388682.14).